The following is an entry in ClinVar:

ClinVar aggregate classification (germline): Conflicting classifications of pathogenicity. Review status: criteria provided, conflicting classifications (1 of 4 stars). 2 submissions from 2 submitters: Uncertain significance (1); Likely benign (1). Last evaluated 2024-04-22.

Conditions:
Autosomal dominant hypocalcemia 1 (HYPOC1). Also called: HYPOCALCEMIA, FAMILIAL. Identifiers: MedGen C3715128, MONDO:0011013, OMIM 601198.
Familial hypocalciuric hypercalcemia (FHH). Also called: Familial benign hypercalcemia. Identifiers: Orphanet 405, MedGen C1809471, MONDO:0018458.
Nephrolithiasis/nephrocalcinosis. Identifiers: MedGen CN580796.

gnomAD v4.1: 2 of 1,614,222 alleles (0.00012%); no homozygotes.

Submissions (2):

Labcorp Genetics (formerly Invitae), Labcorp
Classification: Likely benign for Familial hypocalciuric hypercalcemia; Autosomal dominant hypocalcemia 1. Last evaluated: 2024-04-22. Review status: criteria provided, single submitter. Criteria: Invitae Variant Classification Sherloc (09022015). Collection method: clinical testing. Allele origin: germline.

Ambry Genetics
Classification: Uncertain significance for Nephrolithiasis/nephrocalcinosis. Last evaluated: 2023-06-30. Review status: criteria provided, single submitter. Criteria: Ambry Variant Classification Scheme 2023. Collection method: clinical testing. Allele origin: germline.
Comment: The c.870C>T variant (also known as p.G290G), located in coding exon 3 of the CASR gene, results from a C to T substitution at nucleotide position 870. This nucleotide substitution does not change the glycine at codon 290. This nucleotide position is not well conserved in available vertebrate species. In silico splice site analysis for this alteration is inconclusive. Since supporting evidence is limited at this time, the clinical significance of this alteration remains unclear.

NM_000388.4(CASR):c.870C>T (p.Gly290=)

Gene: CASR (calcium sensing receptor; plus strand). Cytogenetic location: 3q21.1.
Variant type: single nucleotide variant.
Coding change: c.870C>T on transcript NM_000388.4 (MANE Select); coding-DNA position 870, C replaced by T.
Protein change: p.Gly290=; no amino-acid change (glycine 290 retained).
Molecular consequence: synonymous variant.
Genome position (GRCh38, 1-based): chr3:122,261,905, C>T. VCF-style: chr3-122261905-C-T. GRCh37 (hg19) VCF-style: chr3-121980752-C-T.
Other names: c.870C>T, p.Gly290= (NM_001178065.2).
Identifiers: ClinVar variation 652630 (VCV000652630.10), dbSNP rs1576858604, ClinGen allele CA435424501.